The following is an entry in ClinVar:

NM_020778.5(ALPK3):c.2275A>G (p.Thr759Ala)

Gene: ALPK3 (alpha kinase 3; plus strand). Cytogenetic location: 15q25.3.
Variant type: single nucleotide variant.
Coding change: c.2275A>G on transcript NM_020778.5 (MANE Select); coding-DNA position 2275, A replaced by G.
Protein change: p.Thr759Ala; replaces threonine 759 with alanine.
Molecular consequence: missense variant.
Genome position (GRCh38, 1-based): chr15:84,857,013, A>G. VCF-style: chr15-84857013-A-G. GRCh37 (hg19) VCF-style: chr15-85400244-A-G.
Other names: short protein forms T759A.
Identifiers: ClinVar variation 2738793 (VCV002738793.3), dbSNP rs2505719969, ClinGen allele CA393356568.
Genomic context (GRCh38, chr15:84,857,013, plus strand): 5'-CCCAAACTCCCACCTACAGCGGGTCCTAGAGCTCCTCTGAATATTGAATGTTTTGTACAG[A>G]CCCCAGAAGGGTCTTGTTTCCCAAAAAAACCTGGTTGCCTGCCCAGATCTGAGGAGGCAG-3'
Protein context (NP_065829.4, residues 749-769): APLNIECFVQ[Thr759Ala]PEGSCFPKKP

ClinVar aggregate classification (germline): Uncertain significance (1 of 4 stars; one submission).

Submission:

Labcorp Genetics (formerly Invitae), Labcorp
Classification: Uncertain significance. Last evaluated: 2023-07-08. Review status: criteria provided, single submitter. Criteria: Invitae Variant Classification Sherloc (09022015). Collection method: clinical testing. Allele origin: germline.
Comment: In summary, the available evidence is currently insufficient to determine the role of this variant in disease. Therefore, it has been classified as a Variant of Uncertain Significance. Advanced modeling of protein sequence and biophysical properties (such as structural, functional, and spatial information, amino acid conservation, physicochemical variation, residue mobility, and thermodynamic stability) performed at Invitae indicates that this missense variant is not expected to disrupt ALPK3 protein function. This variant has not been reported in the literature in individuals affected with ALPK3-related conditions. This variant is not present in population databases (gnomAD no frequency). This sequence change replaces threonine, which is neutral and polar, with alanine, which is neutral and non-polar, at codon 961 of the ALPK3 protein (p.Thr961Ala).